The following is an entry in ClinVar:

NM_000218.3(KCNQ1):c.1721del (p.Ile574fs)

Gene: KCNQ1 (potassium voltage-gated channel subfamily Q member 1; plus strand). Cytogenetic location: 11p15.5.
Variant type: Deletion.
Coding change: c.1721del on transcript NM_000218.3 (MANE Select); coding-DNA position 1721, one base deleted (T; older notation c.1721delT).
Protein change: p.Ile574fs; shifts the reading frame from isoleucine 574.
Molecular consequence: frameshift variant.
Genome position (GRCh38, 1-based): chr11:2,777,021, T deleted. VCF-style (leftmost placement, unchanged base first): chr11-2777020-AT-A. GRCh37 (hg19) VCF-style: chr11-2798250-AT-A.
Other names: c.1625del, p.Ile542fs (NM_001406836.1); c.1451del, p.Ile484fs (NM_001406837.1); c.1181del, p.Ile394fs (NM_001406838.1); c.1340del, p.Ile447fs (NM_181798.2); short protein forms I447fs, I394fs, I484fs, I542fs, I574fs.
Identifiers: ClinVar variation 2773484 (VCV002773484.3), dbSNP rs2494142176, ClinGen allele CA2697548365.

ClinVar aggregate classification (germline): Pathogenic. Review status: criteria provided, multiple submitters, no conflicts (2 of 4 stars). 2 submissions from 2 submitters: Pathogenic (2). Last evaluated 2025-01-29.

Conditions:
Long QT syndrome (LQTS). Identifiers: MedGen C0023976, MeSH D008133, MONDO:0002442. Disease mechanism: loss of function. Inheritance: Various modes of inheritance.
Cardiac arrhythmia. Also called: Arrhythmia; Cardiac rhythm disease. Identifiers: MedGen C0003811, MONDO:0007263, HP:0011675.

Submissions (2):

Color Diagnostics, LLC DBA Color Health
Classification: Pathogenic for Cardiac arrhythmia. Last evaluated: 2025-01-29. Review status: criteria provided, single submitter. Criteria: ACMG Guidelines, 2015. Collection method: clinical testing. Allele origin: germline.
Comment: This variant deletes 1 nucleotide in exon 14 of the KCNQ1 gene, creating a frameshift at codon 574 followed by a translation stop signal in the penultimate exon. The mutant transcript is expected to escape nonsense-mediated decay and be expressed as a truncated protein. Although functional studies have not been reported, this variant is expected to disrupt the C-terminal cytoplasmic coiled-coil domain (a.a. 585-621), which has been reported to mediate tetramerization and formation of a functional channel (PMID 10654932, 18165683, 19693805). In addition, multiple loss-of-function missense variants in KCNQ1 downstream of this variant have been determined to be disease-causing (ClinVar variation ID 3138, 3140, 53017, 53018), indicating that the region disrupted by this variant is a clinically significant region of the protein. To our knowledge, this variant has not been reported in individuals affected with KCNQ1-related disorders in the literature. This variant has not been identified in the general population by the Genome Aggregation Database (gnomAD). Loss of KCNQ1 function is a known mechanism of disease. Based on the available evidence, this variant is classified as Pathogenic.

All of Us Research Program, National Institutes of Health
Classification: Pathogenic for Long QT syndrome. Last evaluated: 2023-06-08. Review status: criteria provided, single submitter. Criteria: ACMG Guidelines, 2015. Collection method: clinical testing. Allele origin: germline. Inheritance: Autosomal dominant inheritance. Observed: 1 variant allele, 1 heterozygote.
Comment: This variant deletes 1 nucleotide in exon 14 of the KCNQ1 gene, creating a frameshift and premature translation stop signal. This variant is expected to result in an absent or non-functional protein product. To our knowledge, this variant has not been reported in individuals affected with KCNQ1-related disorders in the literature. This variant has not been identified in the general population by the Genome Aggregation Database (gnomAD). Loss of KCNQ1 function is a known mechanism of disease. Based on the available evidence, this variant is classified as Pathogenic.

This study involves interpretation of variants in research participants for the purpose of population health screening. Participant phenotype was not available at the time of variant classification. Additional details can be found in publication PMID: 35346344, PMCID: PMC8962531

Literature cited by the submitters: PubMed 10654932 (cited by Color Diagnostics, LLC DBA Color Health); PubMed 18165683 (cited by Color Diagnostics, LLC DBA Color Health); PubMed 19693805 (cited by Color Diagnostics, LLC DBA Color Health).